The following is an entry in ClinVar:

ClinVar aggregate classification (germline): Benign/Likely benign. Review status: criteria provided, multiple submitters, no conflicts (2 of 4 stars). 5 submissions from 5 submitters: Benign (1); Likely benign (4). Last evaluated 2026-06-25.

Conditions:
Hereditary cancer-predisposing syndrome. Also called: Tumor predisposition; Hereditary Cancer Syndrome; Hereditary neoplastic syndrome; Neoplastic Syndromes, Hereditary. Identifiers: Orphanet 140162, MedGen C0027672, MeSH D009386, MONDO:0015356.
Retinoblastoma (RB1). Also called: RETINOBLASTOMA, SOMATIC. Identifiers: Orphanet 790, MedGen C0035335, MeSH D012175, MONDO:0008380, OMIM 180200, HP:0009919. Disease mechanism: loss of function. Inheritance: Both sporadic and heritable forms are tested..

Allele frequency attached by ClinVar (database versions not stated): gnomAD exomes below 0.00001.
gnomAD v4.1: 1 of 1,613,674 alleles (0.000062%); highest among the groups gnomAD compares: Non-Finnish European, 0.000085%; no homozygotes.

Submissions (5):

Myriad Genetics, Inc.
Classification: Benign for Retinoblastoma. Last evaluated: 2026-06-25. Review status: criteria provided, single submitter. Criteria: Myriad Autosomal Dominant, Autosomal Recessive and X-Linked Classification Criteria (2023). Collection method: clinical testing. Allele origin: unknown.
Comment: This variant is considered benign. This variant is a silent/synonymous amino acid change and it is not expected to impact splicing.

Labcorp Genetics (formerly Invitae), Labcorp
Classification: Likely benign for Retinoblastoma. Last evaluated: 2024-09-09. Review status: criteria provided, single submitter. Criteria: Invitae Variant Classification Sherloc (09022015). Collection method: clinical testing. Allele origin: germline.

All of Us Research Program, National Institutes of Health
Classification: Likely benign for Retinoblastoma. Last evaluated: 2023-12-13. Review status: criteria provided, single submitter. Criteria: ACMG Guidelines, 2015. Collection method: clinical testing. Allele origin: germline. Inheritance: Autosomal dominant inheritance. Observed: 3 variant alleles, 3 heterozygotes.
Comment: This study involves interpretation of variants in research participants for the purpose of population health screening. Participant phenotype was not available at the time of variant classification. Additional details can be found in publication PMID: 35346344, PMCID: PMC8962531

Color Diagnostics, LLC DBA Color Health
Classification: Likely benign for Retinoblastoma. Last evaluated: 2023-03-15. Review status: criteria provided, single submitter. Criteria: ACMG Guidelines, 2015. Collection method: clinical testing. Allele origin: germline.

Ambry Genetics
Classification: Likely benign for Hereditary cancer-predisposing syndrome. Last evaluated: 2019-09-26. Review status: criteria provided, single submitter. Criteria: Ambry Variant Classification Scheme 2023. Collection method: clinical testing. Allele origin: germline.

NM_000321.3(RB1):c.2628C>T (p.Arg876=)

Gene: RB1 (RB transcriptional corepressor 1; plus strand). Cytogenetic location: 13q14.2.
Variant type: single nucleotide variant.
Coding change: c.2628C>T on transcript NM_000321.3 (MANE Select); coding-DNA position 2628, C replaced by T.
Protein change: p.Arg876=; no amino-acid change (arginine 876 retained).
Molecular consequence: synonymous variant.
Genome position (GRCh38, 1-based): chr13:48,476,808, C>T. VCF-style: chr13-48476808-C-T. GRCh37 (hg19) VCF-style: chr13-49050944-C-T.
Identifiers: ClinVar variation 821562 (VCV000821562.16), dbSNP rs1593547215, ClinGen allele CA483561103.